The following is an entry in ClinVar:

ClinVar aggregate classification (germline): Benign/Likely benign. Review status: criteria provided, multiple submitters, no conflicts (2 of 4 stars). 7 submissions from 7 submitters: Benign (4); Likely benign (2). 1 of the submissions does not count toward it. Last evaluated 2026-01-12.

Conditions:
Tatton-Brown-Rahman overgrowth syndrome. Also called: Tatton-Brown-Rahman syndrome; Tall stature-intellectual disability-facial dysmorphism syndrome. Identifiers: Orphanet 404443, MedGen C4014545, MONDO:0014382, OMIM 615879.
DNMT3A-related disorder. Also called: DNMT3A-related disorders; DNMT3A-related condition.
Inborn genetic diseases. Identifiers: MedGen C0950123, MeSH D030342.

Allele frequency attached by ClinVar (database versions not stated): gnomAD exomes 0.00094 and 0.00066; 1000 Genomes Project 0.00120; 1000 Genomes Project 30x 0.00125; ESP Exome Variant Server 0.00062; gnomAD 0.00068 and 0.00073; ExAC 0.00076; TOPMed 0.00088.
gnomAD v4.1: 1,475 of 1,614,262 alleles (0.091%); highest among the groups gnomAD compares: South Asian, 0.15%; 1 homozygote.

Submissions (7):

Labcorp Genetics (formerly Invitae), Labcorp
Classification: Benign for Tatton-Brown-Rahman overgrowth syndrome. Last evaluated: 2026-01-12. Review status: criteria provided, single submitter. Criteria: Invitae Variant Classification Sherloc (09022015). Collection method: clinical testing. Allele origin: germline.

CeGaT Center for Human Genetics Tuebingen
Classification: Likely benign. Last evaluated: 2026-01-01. Review status: criteria provided, single submitter. Criteria: CeGaT Center For Human Genetics Tuebingen Variant Classification Criteria Version 2. Collection method: clinical testing. Allele origin: germline. Affected: yes. Observed: 8 variant alleles.
Comment: DNMT3A: BP4, BP7

Blueprint Genetics
Classification: Benign. Last evaluated: 2024-11-25. Review status: criteria provided, single submitter. Criteria: ACMG Guidelines, 2015. Collection method: clinical testing. Allele origin: germline.

Ambry Genetics
Classification: Likely benign for Inborn genetic diseases. Last evaluated: 2024-10-02. Review status: criteria provided, single submitter. Criteria: Ambry Variant Classification Scheme 2023. Collection method: clinical testing. Allele origin: germline.

GeneDx
Classification: Benign. Last evaluated: 2019-07-05. Review status: criteria provided, single submitter. Criteria: GeneDx Variant Classification Process June 2021. Collection method: clinical testing. Allele origin: germline. Affected: yes.

Genetic Services Laboratory, University of Chicago
Classification: Benign. Last evaluated: 2017-09-25. Review status: criteria provided, single submitter. Criteria: ACMG Guidelines, 2015. Collection method: clinical testing. Allele origin: germline. Affected: no.

PreventionGenetics, part of Exact Sciences
Classification: Likely benign for DNMT3A-related condition. Last evaluated: 2019-04-17. Review status: no assertion criteria provided. Collection method: clinical testing. Allele origin: germline. Not counted in ClinVar's aggregate classification.
Comment: This variant is classified as likely benign based on ACMG/AMP sequence variant interpretation guidelines (Richards et al. 2015 PMID: 25741868, with internal and published modifications).

NM_022552.5(DNMT3A):c.2151C>T (p.Asn717=)

Gene: DNMT3A (DNA methyltransferase 3 alpha; minus strand). Cytogenetic location: 2p23.3.
Variant type: single nucleotide variant.
Coding change: c.2151C>T on transcript NM_022552.5 (MANE Select); coding-DNA position 2151, C replaced by T.
Protein change: p.Asn717=; no amino-acid change (asparagine 717 retained).
Molecular consequence: synonymous variant. On other transcripts: non-coding transcript variant (1).
Genome position (GRCh38, 1-based): chr2:25,240,662, G>A on the plus strand (C>T on the coding strand, the complement: DNMT3A is on the minus strand). VCF-style: chr2-25240662-G-A. GRCh37 (hg19) VCF-style: chr2-25463531-G-A.
Other names: c.2151C>T, p.Asn717= (NM_175629.2); c.1695C>T, p.Asn565= (NM_001320893.1); c.1482C>T, p.Asn494= (NM_001375819.1); c.1584C>T, p.Asn528= (NM_153759.3); c.2151C>T (NM_022552.3).
Identifiers: ClinVar variation 475176 (VCV000475176.49), dbSNP rs141216815, ClinGen allele CA1555734.